The following is an entry in ClinVar:

NM_002227.4(JAK1):c.1202A>C (p.Glu401Ala)

Gene: JAK1 (Janus kinase 1; minus strand). Cytogenetic location: 1p31.3.
Variant type: single nucleotide variant.
Coding change: c.1202A>C on transcript NM_002227.4 (MANE Select); coding-DNA position 1202, A replaced by C.
Protein change: p.Glu401Ala; replaces glutamic acid 401 with alanine.
Molecular consequence: missense variant.
Genome position (GRCh38, 1-based): chr1:64,860,237, T>G on the plus strand (A>C on the coding strand, the complement: JAK1 is on the minus strand). VCF-style: chr1-64860237-T-G. GRCh37 (hg19) VCF-style: chr1-65325920-T-G.
Other names: c.1202A>C, p.Glu401Ala (NM_001320923.2, NM_001321852.2, NM_001321853.2 and 4 more transcripts); c.1202A>C (NM_002227.2); short protein forms E401A.
Identifiers: ClinVar variation 1501007 (VCV001501007.7), dbSNP rs764314225, ClinGen allele CA23914997.

ClinVar aggregate classification (germline): Uncertain significance. Review status: criteria provided, multiple submitters, no conflicts (2 of 4 stars). 2 submissions from 2 submitters: Uncertain significance (2). Last evaluated 2026-01-05.

Conditions:
Inborn genetic diseases. Identifiers: MedGen C0950123, MeSH D030342.

gnomAD v4.1: 1 of 1,606,726 alleles (0.000062%); highest among the groups gnomAD compares: Admixed American, 0.0017%; no homozygotes.

Submissions (2):

Labcorp Genetics (formerly Invitae), Labcorp
Classification: Uncertain significance. Last evaluated: 2026-01-05. Review status: criteria provided, single submitter. Criteria: Invitae Variant Classification Sherloc (09022015). Collection method: clinical testing. Allele origin: germline.
Comment: This sequence change replaces glutamic acid, which is acidic and polar, with alanine, which is neutral and non-polar, at codon 401 of the JAK1 protein (p.Glu401Ala). This variant is not present in population databases (gnomAD no frequency). This variant has not been reported in the literature in individuals affected with JAK1-related conditions. ClinVar contains an entry for this variant (Variation ID: 1501007). Invitae Evidence Modeling of protein sequence and biophysical properties (such as structural, functional, and spatial information, amino acid conservation, physicochemical variation, residue mobility, and thermodynamic stability) indicates that this missense variant is not expected to disrupt JAK1 protein function with a negative predictive value of 80%. In summary, the available evidence is currently insufficient to determine the role of this variant in disease. Therefore, it has been classified as a Variant of Uncertain Significance.

Ambry Genetics
Classification: Uncertain significance for Inborn genetic diseases. Last evaluated: 2023-02-14. Review status: criteria provided, single submitter. Criteria: Ambry Variant Classification Scheme 2023. Collection method: clinical testing. Allele origin: germline.